The following is an entry in ClinVar:

ClinVar aggregate classification (germline): Likely benign. Review status: criteria provided, multiple submitters, no conflicts (2 of 4 stars). 5 submissions from 5 submitters: Likely benign (5). Last evaluated 2026-04-11.

Conditions:
Cardiomyopathy (CMYO). Also called: Cardiomyopathies. Identifiers: Orphanet 167848, MedGen C0878544, MONDO:0004994, HP:0001638. Inheritance: Various modes of inheritance.
Cardiovascular phenotype. Identifiers: MedGen CN230736.
Arrhythmogenic right ventricular dysplasia 5. Also called: Arrhythmogenic Right Ventricular Dysplasia/Cardiomyopathy 5; ARRHYTHMOGENIC RIGHT VENTRICULAR DYSPLASIA, FAMILIAL, 5. Identifiers: MedGen C1858379, MONDO:0011459, OMIM 604400.

Allele frequency attached by ClinVar (database versions not stated): ExAC 0.00001; gnomAD exomes 0.00001; TOPMed 0.00001.

Submissions (5):

Ambry Genetics
Classification: Likely benign for Cardiovascular phenotype. Last evaluated: 2026-04-11. Review status: criteria provided, single submitter. Criteria: Ambry Variant Classification Scheme 2023. Collection method: clinical testing. Allele origin: germline.

Labcorp Genetics (formerly Invitae), Labcorp
Classification: Likely benign for Arrhythmogenic right ventricular dysplasia 5. Last evaluated: 2026-01-04. Review status: criteria provided, single submitter. Criteria: Invitae Variant Classification Sherloc (09022015). Collection method: clinical testing. Allele origin: germline.

All of Us Research Program, National Institutes of Health
Classification: Likely benign for Arrhythmogenic right ventricular dysplasia 5. Last evaluated: 2024-04-25. Review status: criteria provided, single submitter. Criteria: ACMG Guidelines, 2015. Collection method: clinical testing. Allele origin: germline. Inheritance: Autosomal dominant inheritance. Observed: 2 variant alleles, 2 heterozygotes.
Comment: This study involves interpretation of variants in research participants for the purpose of population health screening. Participant phenotype was not available at the time of variant classification. Additional details can be found in publication PMID: 35346344, PMCID: PMC8962531

Blueprint Genetics
Classification: Likely benign. Last evaluated: 2021-05-11. Review status: criteria provided, single submitter. Criteria: ACMG Guidelines, 2015. Collection method: clinical testing. Allele origin: germline.

Color Diagnostics, LLC DBA Color Health
Classification: Likely benign for Cardiomyopathy. Last evaluated: 2019-09-03. Review status: criteria provided, single submitter. Criteria: ACMG Guidelines, 2015. Collection method: clinical testing. Allele origin: germline.

NM_024334.3(TMEM43):c.354C>T (p.His118=)

Gene: TMEM43 (transmembrane protein 43; plus strand). Cytogenetic location: 3p25.1.
Variant type: single nucleotide variant.
Coding change: c.354C>T on transcript NM_024334.3 (MANE Select); coding-DNA position 354, C replaced by T.
Protein change: p.His118=; no amino-acid change (histidine 118 retained).
Molecular consequence: synonymous variant.
Genome position (GRCh38, 1-based): chr3:14,131,636, C>T. VCF-style: chr3-14131636-C-T. GRCh37 (hg19) VCF-style: chr3-14173136-C-T.
Identifiers: ClinVar variation 918711 (VCV000918711.14), dbSNP rs754103544, ClinGen allele CA053038.